The following is an entry in ClinVar:

NM_001197104.2(KMT2A):c.3016A>G (p.Ile1006Val)

Gene: KMT2A (lysine methyltransferase 2A; plus strand). Cytogenetic location: 11q23.3.
Variant type: single nucleotide variant.
Coding change: c.3016A>G on transcript NM_001197104.2 (MANE Select); coding-DNA position 3016, A replaced by G.
Protein change: p.Ile1006Val; replaces isoleucine 1006 with valine.
Molecular consequence: missense variant.
Genome position (GRCh38, 1-based): chr11:118,474,175, A>G. VCF-style: chr11-118474175-A-G. GRCh37 (hg19) VCF-style: chr11-118344890-A-G.
Other names: c.3016A>G, p.Ile1006Val (NM_005933.4); short protein forms I1006V.
Identifiers: ClinVar variation 1420142 (VCV001420142.6), dbSNP rs1949993356, ClinGen allele CA382819446.

ClinVar aggregate classification (germline): Uncertain significance (1 of 4 stars; one submission).

Allele frequency attached by ClinVar (database versions not stated): TOPMed 0.00001.

Submission:

Labcorp Genetics (formerly Invitae), Labcorp
Classification: Uncertain significance. Last evaluated: 2022-08-20. Review status: criteria provided, single submitter. Criteria: Invitae Variant Classification Sherloc (09022015). Collection method: clinical testing. Allele origin: germline.
Comment: In summary, the available evidence is currently insufficient to determine the role of this variant in disease. Therefore, it has been classified as a Variant of Uncertain Significance. Algorithms developed to predict the effect of sequence changes on RNA splicing suggest that this variant may create or strengthen a splice site. Advanced modeling of protein sequence and biophysical properties (such as structural, functional, and spatial information, amino acid conservation, physicochemical variation, residue mobility, and thermodynamic stability) performed at Invitae indicates that this missense variant is not expected to disrupt KMT2A protein function. ClinVar contains an entry for this variant (Variation ID: 1420142). This variant has not been reported in the literature in individuals affected with KMT2A-related conditions. This variant is not present in population databases (gnomAD no frequency). This sequence change replaces isoleucine, which is neutral and non-polar, with valine, which is neutral and non-polar, at codon 1006 of the KMT2A protein (p.Ile1006Val).